The following is an entry in ClinVar:

NM_004990.4(MARS1):c.709G>A (p.Val237Ile)

Gene: MARS1 (methionyl-tRNA synthetase 1; plus strand). Cytogenetic location: 12q13.3.
Variant type: single nucleotide variant.
Coding change: c.709G>A on transcript NM_004990.4 (MANE Select); coding-DNA position 709, G replaced by A.
Protein change: p.Val237Ile; replaces valine 237 with isoleucine.
Molecular consequence: missense variant.
Genome position (GRCh38, 1-based): chr12:57,490,583, G>A. VCF-style: chr12-57490583-G-A. GRCh37 (hg19) VCF-style: chr12-57884366-G-A.
Other names: short protein forms V237I.
Identifiers: ClinVar variation 2929150 (VCV002929150.3), dbSNP rs1368716892, ClinGen allele CA385492625.

ClinVar aggregate classification (germline): Uncertain significance (1 of 4 stars; one submission).

Conditions:
Charcot-Marie-Tooth disease axonal type 2U. Also called: CHARCOT-MARIE-TOOTH NEUROPATHY, TYPE 2U; CHARCOT-MARIE-TOOTH DISEASE, AXONAL, AUTOSOMAL DOMINANT, TYPE 2U. Identifiers: Orphanet 397735, MedGen C4084821, MONDO:0014566, OMIM 616280.
Severe early-onset pulmonary alveolar proteinosis due to MARS deficiency. Also called: PULMONARY ALVEOLAR PROTEINOSIS, REUNION ISLAND; Interstitial lung and liver disease. Identifiers: Orphanet 440427, MedGen C4225400, MONDO:0014206, OMIM 615486.

Allele frequency attached by ClinVar (database versions not stated): gnomAD exomes below 0.00001.
gnomAD v4.1: 5 of 1,614,132 alleles (0.00031%); highest among the groups gnomAD compares: East Asian, 0.0045%; no homozygotes.

Submission:

Labcorp Genetics (formerly Invitae), Labcorp
Classification: Uncertain significance for Charcot-Marie-Tooth disease axonal type 2U; Severe early-onset pulmonary alveolar proteinosis due to MARS deficiency. Last evaluated: 2023-09-27. Review status: criteria provided, single submitter. Criteria: Invitae Variant Classification Sherloc (09022015). Collection method: clinical testing. Allele origin: germline.
Comment: In summary, the available evidence is currently insufficient to determine the role of this variant in disease. Therefore, it has been classified as a Variant of Uncertain Significance. An algorithm developed to predict the effect of missense changes on protein structure and function (PolyPhen-2) suggests that this variant is likely to be tolerated. This variant has not been reported in the literature in individuals affected with MARS-related conditions. This variant is present in population databases (no rsID available, gnomAD 0.006%). This sequence change replaces valine, which is neutral and non-polar, with isoleucine, which is neutral and non-polar, at codon 237 of the MARS protein (p.Val237Ile).